The following is an entry in ClinVar:

ClinVar aggregate classification (germline): Uncertain significance (1 of 4 stars; one submission).

Allele frequency attached by ClinVar (database versions not stated): gnomAD exomes below 0.00001; gnomAD 0.00001; TOPMed 0.00001.
gnomAD v4.1: 5 of 1,614,110 alleles (0.00031%); highest among the groups gnomAD compares: Middle Eastern, 0.016%; no homozygotes.

Submission:

Labcorp Genetics (formerly Invitae), Labcorp
Classification: Uncertain significance. Last evaluated: 2022-03-11. Review status: criteria provided, single submitter. Criteria: Invitae Variant Classification Sherloc (09022015). Collection method: clinical testing. Allele origin: germline.
Comment: In summary, the available evidence is currently insufficient to determine the role of this variant in disease. Therefore, it has been classified as a Variant of Uncertain Significance. Advanced modeling of protein sequence and biophysical properties (such as structural, functional, and spatial information, amino acid conservation, physicochemical variation, residue mobility, and thermodynamic stability) performed at Invitae indicates that this missense variant is expected to disrupt MYBPC1 protein function. This variant has not been reported in the literature in individuals affected with MYBPC1-related conditions. This variant is not present in population databases (gnomAD no frequency). This sequence change replaces glutamic acid, which is acidic and polar, with lysine, which is basic and polar, at codon 705 of the MYBPC1 protein (p.Glu705Lys).

NM_002465.4(MYBPC1):c.2113G>A (p.Glu705Lys)

Gene: MYBPC1 (myosin binding protein C1; plus strand). Cytogenetic location: 12q23.2.
Variant type: single nucleotide variant.
Coding change: c.2113G>A on transcript NM_002465.4 (MANE Select); coding-DNA position 2113, G replaced by A.
Protein change: p.Glu705Lys; replaces glutamic acid 705 with lysine.
Molecular consequence: missense variant.
Genome position (GRCh38, 1-based): chr12:101,662,438, G>A. VCF-style: chr12-101662438-G-A. GRCh37 (hg19) VCF-style: chr12-102056216-G-A.
Other names: c.2002G>A, p.Glu668Lys (NM_001254720.3); c.1981G>A, p.Glu661Lys (NM_001254721.3, NM_001404676.1, NM_001404678.1); c.1960G>A, p.Glu654Lys (NM_001254722.3, NM_001404680.1); c.1999G>A, p.Glu667Lys (NM_001254723.3); c.2113G>A, p.Glu705Lys (NM_001404675.1, NM_206819.4); c.1903G>A, p.Glu635Lys (NM_001404677.1, NM_001404679.1, NM_001404681.1); c.2038G>A, p.Glu680Lys (NM_206820.4, NM_206821.4, NM_001254718.3 and 1 more transcripts); short protein forms E661K, E705K, E635K, E654K, E668K, E680K, E667K.
Identifiers: ClinVar variation 1911512 (VCV001911512.5), dbSNP rs1565980420, ClinGen allele CA386284634.